The following is an entry in ClinVar:

NM_001384140.1(PCDH15):c.1887G>A (p.Met629Ile)

Gene: PCDH15 (protocadherin related 15; minus strand). Cytogenetic location: 10q21.1.
Variant type: single nucleotide variant.
Coding change: c.1887G>A on transcript NM_001384140.1 (MANE Select); coding-DNA position 1887, G replaced by A.
Protein change: p.Met629Ile; replaces methionine 629 with isoleucine.
Molecular consequence: missense variant. On other transcripts: intron variant (1).
Genome position (GRCh38, 1-based): chr10:54,132,905, C>T on the plus strand (G>A on the coding strand, the complement: PCDH15 is on the minus strand). VCF-style: chr10-54132905-C-T. GRCh37 (hg19) VCF-style: chr10-55892665-C-T.
Other names: c.1902G>A, p.Met634Ile (NM_001142763.2, NM_001142771.2); c.1887G>A, p.Met629Ile (NM_001142764.2, NM_001142766.2, NM_001142770.3 and 5 more transcripts); c.1776G>A, p.Met592Ile (NM_001142767.2); c.1821G>A, p.Met607Ile (NM_001142768.2, NM_001142773.2, NM_001354404.2); c.1923G>A, p.Met641Ile (NM_001142769.4); c.1908G>A, p.Met636Ile (NM_001354411.2); c.1784+20195G>A (NM_001142765.2); short protein forms M607I, M641I, M634I, M636I, M592I, M629I.
Identifiers: ClinVar variation 2146599 (VCV002146599.4), dbSNP rs1402205629, ClinGen allele CA376514877.

ClinVar aggregate classification (germline): Uncertain significance (1 of 4 stars; one submission).

Allele frequency attached by ClinVar (database versions not stated): gnomAD exomes below 0.00001; TOPMed below 0.00001.
gnomAD v4.1: 2 of 1,613,914 alleles (0.00012%); highest among the groups gnomAD compares: Admixed American, 0.0017%; no homozygotes.

Submission:

Labcorp Genetics (formerly Invitae), Labcorp
Classification: Uncertain significance. Last evaluated: 2024-02-19. Review status: criteria provided, single submitter. Criteria: Invitae Variant Classification Sherloc (09022015). Collection method: clinical testing. Allele origin: germline.
Comment: This sequence change replaces methionine, which is neutral and non-polar, with isoleucine, which is neutral and non-polar, at codon 629 of the PCDH15 protein (p.Met629Ile). This variant is present in population databases (no rsID available, gnomAD 0.003%). This variant has not been reported in the literature in individuals affected with PCDH15-related conditions. ClinVar contains an entry for this variant (Variation ID: 2146599). Advanced modeling of protein sequence and biophysical properties (such as structural, functional, and spatial information, amino acid conservation, physicochemical variation, residue mobility, and thermodynamic stability) has been performed at Invitae for this missense variant, however the output from this modeling did not meet the statistical confidence thresholds required to predict the impact of this variant on PCDH15 protein function. In summary, the available evidence is currently insufficient to determine the role of this variant in disease. Therefore, it has been classified as a Variant of Uncertain Significance.